The following is an entry in ClinVar:

ClinVar aggregate classification (germline): Likely pathogenic (1 of 4 stars; one submission).

Conditions:
Early-infantile DEE. Also called: Ohtahara syndrome; Early infantile epileptic encephalopathy with suppression bursts; Early infantile epileptic encephalopathy. Identifiers: Orphanet 1934, MedGen C0393706, MONDO:0800491.

Submission:

Labcorp Genetics (formerly Invitae), Labcorp
Classification: Likely pathogenic for Early-infantile DEE. Last evaluated: 2022-11-29. Review status: criteria provided, single submitter. Criteria: Invitae Variant Classification Sherloc (09022015). Collection method: clinical testing. Allele origin: germline.
Comment: In summary, the currently available evidence indicates that the variant is pathogenic, but additional data are needed to prove that conclusively. Therefore, this variant has been classified as Likely Pathogenic. This variant disrupts the p.Pro1451 amino acid residue in SCN1A. Other variant(s) that disrupt this residue have been determined to be pathogenic (PMID: 17054684; Invitae). This suggests that this residue is clinically significant, and that variants that disrupt this residue are likely to be disease-causing. Advanced modeling of protein sequence and biophysical properties (such as structural, functional, and spatial information, amino acid conservation, physicochemical variation, residue mobility, and thermodynamic stability) performed at Invitae indicates that this missense variant is expected to disrupt SCN1A protein function. ClinVar contains an entry for this variant (Variation ID: 842816). This sequence change replaces proline, which is neutral and non-polar, with arginine, which is basic and polar, at codon 1451 of the SCN1A protein (p.Pro1451Arg). This variant is not present in population databases (gnomAD no frequency). This missense change has been observed in individual(s) with febrile seizures (Invitae).

Literature cited by the submitters: PubMed 17054684.

NM_001165963.4(SCN1A):c.4352C>G (p.Pro1451Arg)

Genes: SCN1A (sodium voltage-gated channel alpha subunit 1; minus strand), LOC102724058 (uncharacterized LOC102724058; plus strand). Cytogenetic location: 2q24.3.
Variant type: single nucleotide variant.
Coding change: c.4352C>G on transcript NM_001165963.4 (MANE Select); coding-DNA position 4352, C replaced by G.
Protein change: p.Pro1451Arg; replaces proline 1451 with arginine.
Molecular consequence: missense variant. On other transcripts: non-coding transcript variant (1).
Genome position (GRCh38, 1-based): chr2:165,998,162, G>C on the plus strand (C>G on the coding strand, the complement: SCN1A is on the minus strand). VCF-style: chr2-165998162-G-C. GRCh37 (hg19) VCF-style: chr2-166854672-G-C.
Other names: c.4268C>G, p.Pro1423Arg (NM_001165964.3, NM_001353957.2, NM_001353958.2); c.4352C>G, p.Pro1451Arg (NM_001202435.3, NM_001353948.2); c.4319C>G, p.Pro1440Arg (NM_001353949.2, NM_001353950.2, NM_001353951.2 and 2 more transcripts); c.4316C>G, p.Pro1439Arg (NM_001353954.2, NM_001353955.2); c.4265C>G, p.Pro1422Arg (NM_001353960.2); c.1910C>G, p.Pro637Arg (NM_001353961.2); short protein forms P1423R, P1451R, P637R, P1440R, P1422R, P1439R.
Identifiers: ClinVar variation 842816 (VCV000842816.10), dbSNP rs121917945, ClinGen allele CA349049486.